The following is an entry in ClinVar:

ClinVar aggregate classification (germline): Uncertain significance (1 of 4 stars; one submission).

gnomAD v4.1: 7 of 1,614,166 alleles (0.00043%); highest among the groups gnomAD compares: Non-Finnish European, 0.00059%; no homozygotes.

Submission:

GeneDx
Classification: Uncertain significance. Last evaluated: 2024-09-30. Review status: criteria provided, single submitter. Criteria: GeneDx Variant Classification Process June 2021. Collection method: clinical testing. Allele origin: germline. Affected: yes.
Comment: Not observed at significant frequency in large population cohorts (gnomAD); In silico analysis supports that this missense variant has a deleterious effect on protein structure/function; Has not been previously published as pathogenic or benign to our knowledge

NM_017672.6(TRPM7):c.410T>C (p.Ile137Thr)

Gene: TRPM7 (transient receptor potential cation channel subfamily M member 7; minus strand). Cytogenetic location: 15q21.2.
Variant type: single nucleotide variant.
Coding change: c.410T>C on transcript NM_017672.6 (MANE Select); coding-DNA position 410, T replaced by C.
Protein change: p.Ile137Thr; replaces isoleucine 137 with threonine.
Molecular consequence: missense variant. On other transcripts: non-coding transcript variant (3).
Genome position (GRCh38, 1-based): chr15:50,643,465, A>G on the plus strand (T>C on the coding strand, the complement: TRPM7 is on the minus strand). VCF-style: chr15-50643465-A-G. GRCh37 (hg19) VCF-style: chr15-50935662-A-G.
Other names: c.410T>C, p.Ile137Thr (NM_001301212.2); short protein forms I137T.
Identifiers: ClinVar variation 3776575 (VCV003776575.1).